The following is an entry in ClinVar:

ClinVar aggregate classification (germline): Likely benign (1 of 4 stars; one submission).

Submission:

CeGaT Center for Human Genetics Tuebingen
Classification: Likely benign. Last evaluated: 2024-02-01. Review status: criteria provided, single submitter. Criteria: CeGaT Center For Human Genetics Tuebingen Variant Classification Criteria Version 2. Collection method: clinical testing. Allele origin: germline. Affected: yes. Observed: 1 variant allele.
Comment: HFE: PM2:Supporting, BP4, BP7

NM_000410.4(HFE):c.580T>C (p.Leu194=)

Gene: HFE (homeostatic iron regulator; plus strand). Cytogenetic location: 6p22.2.
Variant type: single nucleotide variant.
Coding change: c.580T>C on transcript NM_000410.4 (MANE Select); coding-DNA position 580, T replaced by C.
Protein change: p.Leu194=; no amino-acid change (leucine 194 retained).
Molecular consequence: synonymous variant. On other transcripts: intron variant (4).
Genome position (GRCh38, 1-based): chr6:26,091,553, T>C. VCF-style: chr6-26091553-T-C. GRCh37 (hg19) VCF-style: chr6-26091781-T-C.
Other names: c.580T>C, p.Leu194= (NM_001300749.3, NM_001384164.1, NM_001406751.1 and 1 more transcripts); c.316T>C, p.Leu106= (NM_001406752.1, NM_139007.3, NM_139008.3); c.511T>C, p.Leu171= (NM_139009.3); c.340+449T>C (NM_139004.3, NM_139003.3); c.77-1132T>C (NM_139010.3); c.77-1566T>C (NM_139011.3).
Identifiers: ClinVar variation 3025856 (VCV003025856.22), dbSNP rs2481608615, ClinGen allele CA448986924.
Genomic context (GRCh38, chr6:26,091,553, plus strand): 5'-ATTCGGGCCAGGCAGAACAGGGCCTACCTGGAGAGGGACTGCCCTGCACAGCTGCAGCAG[T>C]TGCTGGAGCTGGGGAGAGGTGTTTTGGACCAACAAGGTATGGTGGAAACACACTTCTGCC-3'
Protein context (NP_000401.1, residues 184-204): ERDCPAQLQQ[Leu194=]LELGRGVLDQ